The following is an entry in ClinVar:

ClinVar aggregate classification (germline): Uncertain significance (1 of 4 stars; one submission).

Conditions:
Candidiasis, familial, 9 (CANDF9). Identifiers: Orphanet 1334, MedGen C4225324, MONDO:0014642, OMIM 616445.

Allele frequency attached by ClinVar (database versions not stated): TOPMed 0.00001.

Submission:

Labcorp Genetics (formerly Invitae), Labcorp
Classification: Uncertain significance for Candidiasis, familial, 9. Last evaluated: 2019-09-20. Review status: criteria provided, single submitter. Criteria: Invitae Variant Classification Sherloc (09022015). Collection method: clinical testing. Allele origin: germline.
Comment: In summary, the available evidence is currently insufficient to determine the role of this variant in disease. Therefore, it has been classified as a Variant of Uncertain Significance. Algorithms developed to predict the effect of missense changes on protein structure and function are either unavailable or do not agree on the potential impact of this missense change (SIFT: "Tolerated"; PolyPhen-2: "Possibly Damaging"; Align-GVGD: "Class C0"). This variant has not been reported in the literature in individuals with IL17RC-related conditions. This variant is not present in population databases (ExAC no frequency). This sequence change replaces valine with leucine at codon 601 of the IL17RC protein (p.Val601Leu). The valine residue is moderately conserved and there is a small physicochemical difference between valine and leucine.

NM_153460.4(IL17RC):c.1588G>C (p.Val530Leu)

Gene: IL17RC (interleukin 17 receptor C; plus strand). Cytogenetic location: 3p25.3.
Variant type: single nucleotide variant.
Coding change: c.1588G>C on transcript NM_153460.4 (MANE Select); coding-DNA position 1588, G replaced by C.
Protein change: p.Val530Leu; replaces valine 530 with leucine.
Molecular consequence: missense variant. On other transcripts: non-coding transcript variant (1).
Genome position (GRCh38, 1-based): chr3:9,933,018, G>C. VCF-style: chr3-9933018-G-C. GRCh37 (hg19) VCF-style: chr3-9974702-G-C.
Other names: c.1549G>C, p.Val517Leu (NM_001203263.2); c.1498G>C, p.Val500Leu (NM_001203264.2); c.1492G>C, p.Val498Leu (NM_001203265.2); c.1510G>C, p.Val504Leu (NM_001367278.1); c.1429G>C, p.Val477Leu (NM_001367279.1); c.1504G>C, p.Val502Leu (NM_001367280.1); c.1543G>C, p.Val515Leu (NM_032732.6); c.1801G>C, p.Val601Leu (NM_153461.4); short protein forms V498L, V500L, V502L, V515L, V477L, V504L, V530L, V517L.
Identifiers: ClinVar variation 958911 (VCV000958911.6), dbSNP rs1419787141, ClinGen allele CA351704675.